The following is an entry in ClinVar:

NM_001164508.2(NEB):c.9124T>C (p.Cys3042Arg)

Gene: NEB (nebulin; minus strand). Cytogenetic location: 2q23.3.
Variant type: single nucleotide variant.
Coding change: c.9124T>C on transcript NM_001164508.2 (MANE Select); coding-DNA position 9124, T replaced by C.
Protein change: p.Cys3042Arg; replaces cysteine 3042 with arginine.
Molecular consequence: missense variant. On other transcripts: intron variant (1).
Genome position (GRCh38, 1-based): chr2:151,633,944, A>G on the plus strand (T>C on the coding strand, the complement: NEB is on the minus strand). VCF-style: chr2-151633944-A-G. GRCh37 (hg19) VCF-style: chr2-152490458-A-G.
Other names: c.9124T>C, p.Cys3042Arg (NM_001164507.2, NM_001271208.2); c.8854-2766T>C (NM_004543.5); short protein forms C3042R.
Identifiers: ClinVar variation 226847 (VCV000226847.22), dbSNP rs6710212, ClinGen allele CA1909403.
Genomic context (GRCh38, chr2:151,633,944, plus strand): 5'-ACATCATCTTGGGGTCATCTTCAATGTTCCGGGCTCCAATATGGTGGCCAAGTTGCTTGC[A>G]GTAACCATCTTTATATTTGTACTAAAATGAAAATGCACAAATCAGGTTTTTATTGTAACC-3'
Protein context (NP_001157980.2, residues 3032-3052): ISDYKYKDGY[Cys3042Arg]KQLGHHIGAR

ClinVar aggregate classification (germline): Benign. Review status: criteria provided, multiple submitters, no conflicts (2 of 4 stars). 12 submissions from 11 submitters: Benign (11). 1 of the submissions does not count toward it. Last evaluated 2026-02-04.

Conditions:
Nemaline myopathy 2 (NEM2). Also called: Nemaline myopathy 2, autosomal recessive. Identifiers: MedGen C1850569, MONDO:0009725, OMIM 256030.
Arthrogryposis multiplex congenita 6. Identifiers: MedGen C5543431, MONDO:0030281, OMIM 619334.

Allele frequency attached by ClinVar (database versions not stated): 1000 Genomes Project 30x 0.96924; 1000 Genomes Project 0.97204; TOPMed 0.97440; gnomAD 0.97529 and 0.97679; ESP Exome Variant Server 0.97569; ExAC 0.99282; gnomAD exomes 0.99439 and 0.99791.
gnomAD v4.1: 1,606,713 of 1,613,354 alleles (100%); highest among the groups gnomAD compares: East Asian, 100%; 800,307 homozygotes.

Submissions (12):

Labcorp Genetics (formerly Invitae), Labcorp
Classification: Benign for Nemaline myopathy 2. Last evaluated: 2026-02-04. Review status: criteria provided, single submitter. Criteria: Invitae Variant Classification Sherloc (09022015). Collection method: clinical testing. Allele origin: germline.

Blueprint Genetics
Classification: Benign. Last evaluated: 2024-11-26. Review status: criteria provided, single submitter. Criteria: ACMG Guidelines, 2015. Collection method: clinical testing. Allele origin: germline.

Mayo Clinic Laboratories, Mayo Clinic
Classification: Benign. Last evaluated: 2022-03-24. Review status: criteria provided, single submitter. Criteria: ACMG Guidelines, 2015. Collection method: clinical testing. Allele origin: germline. Observed: 337 variant alleles.

Genome-Nilou Lab
Classification: Benign for Arthrogryposis multiplex congenita 6. Last evaluated: 2021-07-10. Review status: criteria provided, single submitter. Criteria: ACMG Guidelines, 2015. Collection method: clinical testing. Allele origin: germline. Affected: no.

Genome-Nilou Lab
Classification: Benign for Nemaline myopathy 2. Last evaluated: 2021-07-10. Review status: criteria provided, single submitter. Criteria: ACMG Guidelines, 2015. Collection method: clinical testing. Allele origin: germline. Affected: no.

Athena Diagnostics
Classification: Benign. Last evaluated: 2019-03-04. Review status: criteria provided, single submitter. Criteria: Athena Diagnostics Criteria. Collection method: clinical testing. Allele origin: germline.

Women's Health and Genetics/Laboratory Corporation of America, LabCorp
Classification: Benign. Last evaluated: 2017-02-27. Review status: criteria provided, single submitter. Criteria: LabCorp Variant Classification Summary - May 2015. Collection method: clinical testing. Allele origin: germline.
Comment: Variant summary: The NEB c.9124T>C (p.Cys3042Arg) variant involves the alteration of a non-conserved nucleotide. 3/4 in silico tools predict a benign outcome for this variant. This variant was found in 119893/120760 control chromosomes (59546 homozygotes) at a frequency of 0.9928205, which is approximately 281 times the estimated maximal expected allele frequency of a pathogenic NEB variant (0.0035355), suggesting this variant is the dominant allele. In addition, multiple clinical diagnostic laboratories/reputable databases classified this variant as benign. Taken together, this variant is classified as benign.

GeneDx
Classification: Benign. Last evaluated: 2016-01-05. Review status: criteria provided, single submitter. Criteria: GeneDx Variant Classification (06012015). Collection method: clinical testing. Allele origin: germline. Affected: yes.
Comment: This variant is considered likely benign or benign based on one or more of the following criteria: it is a conservative change, it occurs at a poorly conserved position in the protein, it is predicted to be benign by multiple in silico algorithms, and/or has population frequency not consistent with disease.

Laboratory for Molecular Medicine, Mass General Brigham Personalized Medicine
Classification: Benign. Last evaluated: 2014-12-10. Review status: criteria provided, single submitter. Criteria: LMM Criteria. Collection method: clinical testing. Allele origin: germline. Observed: 14 variant alleles.
Comment: This is a RefSeq error. The reference base (c.9124T) is the minor allele. This a llele (T) has been identified in 7.8% (108/1384) of African American chromosomes by the NHLBI Exome Sequencing Project (dbSNP rs6710212) and thus meets criteria to be classified as benign.

Breakthrough Genomics
Classification: Benign. Review status: criteria provided, single submitter. Criteria: ACMG Guidelines, 2015. Collection method: not provided. Allele origin: germline. Inheritance: Autosomal recessive inheritance. Affected: yes.

PreventionGenetics, part of Exact Sciences
Classification: Benign. Review status: criteria provided, single submitter. Criteria: ACMG Guidelines, 2015. Collection method: clinical testing. Allele origin: germline.

Natera, Inc.
Classification: Benign for Nemaline myopathy type 2. Last evaluated: 2020-09-16. Review status: no assertion criteria provided. Collection method: clinical testing. Allele origin: germline. Not counted in ClinVar's aggregate classification.